The following is an entry in ClinVar:

NM_000390.4(CHM):c.22G>T (p.Glu8Ter)

Gene: CHM (CHM Rab escort protein; minus strand). Cytogenetic location: Xq21.2.
Variant type: single nucleotide variant.
Coding change: c.22G>T on transcript NM_000390.4 (MANE Select); coding-DNA position 22, G replaced by T.
Protein change: p.Glu8Ter; replaces glutamic acid 8 with a stop codon.
Molecular consequence: nonsense.
Genome position (GRCh38, 1-based): chrX:86,047,511, C>A on the plus strand (G>T on the coding strand, the complement: CHM is on the minus strand). VCF-style: chrX-86047511-C-A. GRCh37 (hg19) VCF-style: chrX-85302515-C-A.
Other names: c.22G>T, p.Glu8Ter (NM_001145414.4); c.22G>T (LRG_699t1); short protein forms E8*.
Identifiers: ClinVar variation 635534 (VCV000635534.47), dbSNP rs1603288832, ClinGen allele CA413788688.

ClinVar aggregate classification (germline): Pathogenic. Review status: criteria provided, multiple submitters, no conflicts (2 of 4 stars). 4 submissions from 4 submitters: Pathogenic (3). 1 of the submissions does not count toward it. Last evaluated 2023-12-15.

Conditions:
Choroideremia. Also called: Chorioretinal scalloped atrophy. Identifiers: Orphanet 180, MedGen C0008525, MONDO:0010557, OMIM 303100, HP:0001139.

Submissions (4):

Labcorp Genetics (formerly Invitae), Labcorp
Classification: Pathogenic. Last evaluated: 2023-12-15. Review status: criteria provided, single submitter. Criteria: Invitae Variant Classification Sherloc (09022015). Collection method: clinical testing. Allele origin: germline.
Comment: This sequence change creates a premature translational stop signal (p.Glu8*) in the CHM gene. It is expected to result in an absent or disrupted protein product. Loss-of-function variants in CHM are known to be pathogenic (PMID: 9067750, 23811034). This variant is not present in population databases (gnomAD no frequency). This premature translational stop signal has been observed in individual(s) with choroideremia (PMID: 32531858). ClinVar contains an entry for this variant (Variation ID: 635534). For these reasons, this variant has been classified as Pathogenic.

Molecular Genetics Laboratory, Institute for Ophthalmic Research
Classification: Pathogenic for Choroideremia. Last evaluated: 2020-01-09. Review status: criteria provided, single submitter. Criteria: ACMG Guidelines, 2015. Collection method: research. Allele origin: germline. Affected: yes.

CeGaT Center for Human Genetics Tuebingen
Classification: Pathogenic. Last evaluated: 2018-02-01. Review status: criteria provided, single submitter. Criteria: CeGaT Center For Human Genetics Tuebingen Variant Classification Criteria Version 2. Collection method: clinical testing. Allele origin: germline. Affected: yes. Observed: 1 variant allele.

Bioscientia Institut fuer Medizinische Diagnostik GmbH, Sonic Healthcare
Classification: Likely pathogenic for Choroideremia. Last evaluated: 2018-12-19. Review status: no assertion criteria provided. Collection method: clinical testing. Allele origin: germline. Affected: yes. Not counted in ClinVar's aggregate classification.

Literature cited by the submitters: PubMed 9067750 (cited by Labcorp Genetics (formerly Invitae), Labcorp); PubMed 23811034 (cited by Labcorp Genetics (formerly Invitae), Labcorp); PubMed 32531858 (cited by Labcorp Genetics (formerly Invitae), Labcorp).